The following is an entry in ClinVar:

NM_001626.6(AKT2):c.47-3C>T

Gene: AKT2 (AKT serine/threonine kinase 2; minus strand). Cytogenetic location: 19q13.2.
Variant type: single nucleotide variant.
Coding change: c.47-3C>T on transcript NM_001626.6 (MANE Select); 3 bases into the intron before coding-DNA position 47, C replaced by T.
Molecular consequence: intron variant.
Genome position (GRCh38, 1-based): chr19:40,257,057, G>A on the plus strand (C>T on the coding strand, the complement: AKT2 is on the minus strand). VCF-style: chr19-40257057-G-A. GRCh37 (hg19) VCF-style: chr19-40762964-G-A.
Other names: c.-140-3C>T (NM_001243028.3, NM_001243027.3); c.47-3C>T (NM_001330511.1).
Identifiers: ClinVar variation 4988438 (VCV004988438.1).

ClinVar aggregate classification (germline): Likely benign (1 of 4 stars; one submission).

Conditions:
AKT2-related disorder. Also called: AKT2-related condition.

Submission:

PreventionGenetics, part of Exact Sciences
Classification: Likely benign for AKT2-related condition. Last evaluated: 2024-11-25. Review status: criteria provided, single submitter. Criteria: ACMG Guidelines, 2015. Collection method: clinical testing. Allele origin: germline.
Comment: This variant is classified as likely benign based on ACMG/AMP sequence variant interpretation guidelines (Richards et al. 2015 PMID: 25741868, with internal and published modifications).